The following is an entry in ClinVar:

ClinVar aggregate classification (germline): Pathogenic (1 of 4 stars; one submission).

Conditions:
Hypertrophic cardiomyopathy. Also called: HYPERTROPHIC MYOCARDIOPATHY. Identifiers: Orphanet 217569, MedGen C0007194, MeSH D002312, MONDO:0005045, HP:0001639.

Submission:

Labcorp Genetics (formerly Invitae), Labcorp
Classification: Pathogenic for Hypertrophic cardiomyopathy. Last evaluated: 2025-03-13. Review status: criteria provided, single submitter. Criteria: Invitae Variant Classification Sherloc (09022015). Collection method: clinical testing. Allele origin: germline.
Comment: This sequence change creates a premature translational stop signal (p.Arg856Serfs*23) in the MYBPC3 gene. It is expected to result in an absent or disrupted protein product. Loss-of-function variants in MYBPC3 are known to be pathogenic (PMID: 19574547). This variant is not present in population databases (gnomAD no frequency). This variant has not been reported in the literature in individuals affected with MYBPC3-related conditions. ClinVar contains an entry for this variant (Variation ID: 454317). For these reasons, this variant has been classified as Pathogenic.

Literature cited by the submitters: PubMed 19574547.

NM_000256.3(MYBPC3):c.2568del (p.Arg856fs)

Gene: MYBPC3 (myosin binding protein C3; minus strand). Cytogenetic location: 11p11.2.
Variant type: Deletion.
Coding change: c.2568del on transcript NM_000256.3 (MANE Select); coding-DNA position 2568, one base deleted (G; older notation c.2568delG).
Protein change: p.Arg856fs; shifts the reading frame from arginine 856.
Molecular consequence: frameshift variant.
Genome position (GRCh38, 1-based): chr11:47,337,425, C deleted on the plus strand (G on the coding strand, the reverse complement: MYBPC3 is on the minus strand); the first of 2 consecutive C bases (chr11:47,337,425-47,337,426); deleting either gives the same sequence. VCF-style (leftmost placement, unchanged base first): chr11-47337424-GC-G. GRCh37 (hg19) VCF-style: chr11-47358975-GC-G.
Other names: c.2568delG (NM_000256.3); c.2568del, p.Arg856fs (LRG_386t1); short protein forms R856fs.
Identifiers: ClinVar variation 454317 (VCV000454317.6), dbSNP rs1555121172, ClinGen allele CA658656137.